The following is an entry in ClinVar:

ClinVar aggregate classification (germline): Uncertain significance (1 of 4 stars; one submission).

Conditions:
Emery-Dreifuss muscular dystrophy 4, autosomal dominant (EDMD4). Also called: EMERY-DREIFUSS MUSCULAR DYSTROPHY 4 WITH VARIABLE FEATURES. Identifiers: Orphanet 261, MedGen C2751807, MONDO:0013071, OMIM 612998.
Autosomal recessive ataxia, Beauce type. Also called: SYNE1 Deficiency; Spinocerebellar ataxia, autosomal recessive 8; ATAXIA, RECESSIVE, OF BEAUCE; SYNE1-Related Autosomal Recessive Cerebellar Ataxia. Identifiers: Orphanet 88644, MedGen C1853116, MONDO:0012549, OMIM 610743.

Submission:

Labcorp Genetics (formerly Invitae), Labcorp
Classification: Uncertain significance for Emery-Dreifuss muscular dystrophy 4, autosomal dominant; Autosomal recessive ataxia, Beauce type. Last evaluated: 2023-11-27. Review status: criteria provided, single submitter. Criteria: Invitae Variant Classification Sherloc (09022015). Collection method: clinical testing. Allele origin: germline.
Comment: This sequence change replaces leucine, which is neutral and non-polar, with valine, which is neutral and non-polar, at codon 8007 of the SYNE1 protein (p.Leu8007Val). This variant is not present in population databases (gnomAD no frequency). This variant has not been reported in the literature in individuals affected with SYNE1-related conditions. ClinVar contains an entry for this variant (Variation ID: 2104893). An algorithm developed to predict the effect of missense changes on protein structure and function (PolyPhen-2) suggests that this variant is likely to be disruptive. In summary, the available evidence is currently insufficient to determine the role of this variant in disease. Therefore, it has been classified as a Variant of Uncertain Significance.

NM_182961.4(SYNE1):c.24232C>G (p.Leu8078Val)

Gene: SYNE1 (spectrin repeat containing nuclear envelope protein 1; minus strand). Cytogenetic location: 6q25.2.
Variant type: single nucleotide variant.
Coding change: c.24232C>G on transcript NM_182961.4 (MANE Select); coding-DNA position 24232, C replaced by G.
Protein change: p.Leu8078Val; replaces leucine 8078 with valine.
Molecular consequence: missense variant.
Genome position (GRCh38, 1-based): chr6:152,152,039, G>C on the plus strand (C>G on the coding strand, the complement: SYNE1 is on the minus strand). VCF-style: chr6-152152039-G-C. GRCh37 (hg19) VCF-style: chr6-152473174-G-C.
Other names: c.838C>G, p.Leu280Val (NM_001347701.2); c.697C>G, p.Leu233Val (NM_001347702.2); c.24019C>G, p.Leu8007Val (NM_033071.5); short protein forms L280V, L8007V, L8078V, L233V.
Identifiers: ClinVar variation 2104893 (VCV002104893.4), dbSNP rs2550143513, ClinGen allele CA366086996.